The following is an entry in ClinVar:

ClinVar aggregate classification (germline): Uncertain significance (1 of 4 stars; one submission).

Conditions:
Neuroblastoma, susceptibility to, 3. Also called: ALK-Related Neuroblastic Tumor Susceptibility. Identifiers: Orphanet 635, MedGen C2751681, MONDO:0013083, OMIM 613014.

Submission:

Labcorp Genetics (formerly Invitae), Labcorp
Classification: Uncertain significance for Neuroblastoma, susceptibility to, 3. Last evaluated: 2020-02-04. Review status: criteria provided, single submitter. Criteria: Invitae Variant Classification Sherloc (09022015). Collection method: clinical testing. Allele origin: germline.
Comment: Algorithms developed to predict the effect of missense changes on protein structure and function (SIFT, PolyPhen-2, Align-GVGD) all suggest that this variant is likely to be disruptive, but these predictions have not been confirmed by published functional studies and their clinical significance is uncertain. In summary, the available evidence is currently insufficient to determine the role of this variant in disease. Therefore, it has been classified as a Variant of Uncertain Significance. This variant has not been reported in the literature in individuals with ALK-related conditions. This variant is not present in population databases (ExAC no frequency). This sequence change replaces arginine with methionine at codon 1530 of the ALK protein (p.Arg1530Met). The arginine residue is highly conserved and there is a moderate physicochemical difference between arginine and methionine.

NM_004304.5(ALK):c.4589G>T (p.Arg1530Met)

Gene: ALK (ALK receptor tyrosine kinase; minus strand). Cytogenetic location: 2p23.2.
Variant type: single nucleotide variant.
Coding change: c.4589G>T on transcript NM_004304.5 (MANE Select); coding-DNA position 4589, G replaced by T.
Protein change: p.Arg1530Met; replaces arginine 1530 with methionine.
Molecular consequence: missense variant.
Genome position (GRCh38, 1-based): chr2:29,193,498, C>A on the plus strand (G>T on the coding strand, the complement: ALK is on the minus strand). VCF-style: chr2-29193498-C-A. GRCh37 (hg19) VCF-style: chr2-29416364-C-A.
Other names: c.1385G>T, p.Arg462Met (NM_001353765.2); short protein forms R1530M, R462M.
Identifiers: ClinVar variation 1018204 (VCV001018204.9), dbSNP rs141242925, ClinGen allele CA346460661.